The following is an entry in ClinVar:

NM_005732.4(RAD50):c.1991del (p.Ala664fs)

Gene: RAD50 (RAD50 double strand break repair protein; plus strand). Cytogenetic location: 5q31.1.
Variant type: Deletion.
Coding change: c.1991del on transcript NM_005732.4 (MANE Select); coding-DNA position 1991, one base deleted (C; older notation c.1991delC).
Protein change: p.Ala664fs; shifts the reading frame from alanine 664.
Molecular consequence: frameshift variant.
Genome position (GRCh38, 1-based): chr5:132,595,594, C deleted. VCF-style (leftmost placement, unchanged base first): chr5-132595593-GC-G. GRCh37 (hg19) VCF-style: chr5-131931285-GC-G.
Other names: short protein forms A664fs.
Identifiers: ClinVar variation 3312308 (VCV003312308.1).

ClinVar aggregate classification (germline): Pathogenic (1 of 4 stars; one submission).

Conditions:
Hereditary cancer-predisposing syndrome. Also called: Neoplastic Syndromes, Hereditary; Tumor predisposition; Hereditary neoplastic syndrome; Hereditary Cancer Syndrome. Identifiers: Orphanet 140162, MedGen C0027672, MeSH D009386, MONDO:0015356.

Submission:

Ambry Genetics
Classification: Pathogenic for Hereditary cancer-predisposing syndrome. Last evaluated: 2024-04-25. Review status: criteria provided, single submitter. Criteria: Ambry Variant Classification Scheme 2023. Collection method: clinical testing. Allele origin: germline.
Comment: The c.1991delC pathogenic mutation, located in coding exon 13 of the RAD50 gene, results from a deletion of one nucleotide at nucleotide position 1991, causing a translational frameshift with a predicted alternate stop codon (p.A664Efs*10). This variant is considered to be rare based on population cohorts in the Genome Aggregation Database (gnomAD). This alteration is expected to result in loss of function by premature protein truncation or nonsense-mediated mRNA decay. As such, this alteration is interpreted as a disease-causing mutation.